The following is an entry in ClinVar:

ClinVar aggregate classification (germline): Uncertain significance. Review status: criteria provided, multiple submitters, no conflicts (2 of 4 stars). 2 submissions from 2 submitters: Uncertain significance (2). Last evaluated 2024-01-05.

Conditions:
Developmental and epileptic encephalopathy, 3 (DEE3). Also called: Epileptic encephalopathy, early infantile, 3. Identifiers: MedGen C5574665, MONDO:0012245, OMIM 609304.
Developmental and epileptic encephalopathy. Identifiers: MedGen C5779964, MONDO:0100620.

Allele frequency attached by ClinVar (database versions not stated): ExAC below 0.00001.

Submissions (2):

3billion
Classification: Uncertain significance for Developmental and epileptic encephalopathy, 3. Last evaluated: 2024-01-05. Review status: criteria provided, single submitter. Criteria: ACMG Guidelines, 2015. Collection method: clinical testing. Allele origin: germline. Affected: yes.
Comment: The variant is not observed in the gnomAD v2.1.1 dataset. Predicted Consequence/Location: Missense variant In silico tool predictions suggest damaging effect of the variant on gene or gene product [REVEL: 0.88 (>=0.6, sensitivity 0.68 and specificity 0.92); 3Cnet: 0.00 (>=0.6, sensitivity 0.72 and precision 0.9)]. Therefore, this variant is classified as VUS according to the recommendation of ACMG/AMP guideline.

Labcorp Genetics (formerly Invitae), Labcorp
Classification: Uncertain significance for Early-infantile DEE. Last evaluated: 2021-09-01. Review status: criteria provided, single submitter. Criteria: Invitae Variant Classification Sherloc (09022015). Collection method: clinical testing. Allele origin: germline.
Comment: This sequence change replaces aspartic acid with asparagine at codon 30 of the SLC25A22 protein (p.Asp30Asn). The aspartic acid residue is highly conserved and there is a small physicochemical difference between aspartic acid and asparagine. The frequency data for this variant in the population databases is considered unreliable, as metrics indicate poor data quality at this position in the ExAC database. This variant has not been reported in the literature in individuals affected with SLC25A22-related conditions. Algorithms developed to predict the effect of missense changes on protein structure and function are either unavailable or do not agree on the potential impact of this missense change (SIFT: "Deleterious"; PolyPhen-2: "Probably Damaging"; Align-GVGD: "Class C15"). In summary, the available evidence is currently insufficient to determine the role of this variant in disease. Therefore, it has been classified as a Variant of Uncertain Significance.

NM_001191061.2(SLC25A22):c.88G>A (p.Asp30Asn)

Gene: SLC25A22 (solute carrier family 25 member 22; minus strand). Cytogenetic location: 11p15.5.
Variant type: single nucleotide variant.
Coding change: c.88G>A on transcript NM_001191061.2 (MANE Select); coding-DNA position 88, G replaced by A.
Protein change: p.Asp30Asn; replaces aspartic acid 30 with asparagine.
Molecular consequence: missense variant.
Genome position (GRCh38, 1-based): chr11:794,834, C>T on the plus strand (G>A on the coding strand, the complement: SLC25A22 is on the minus strand). VCF-style: chr11-794834-C-T. GRCh37 (hg19) VCF-style: chr11-794834-C-T.
Other names: c.88G>A, p.Asp30Asn (NM_001191060.2, NM_024698.6); short protein forms D30N.
Identifiers: ClinVar variation 1018607 (VCV001018607.8), dbSNP rs766399962, ClinGen allele CA5789401.